The following is an entry in ClinVar:

NM_000161.3(GCH1):c.344-1G>C

Gene: GCH1 (GTP cyclohydrolase 1; minus strand). Cytogenetic location: 14q22.2.
Variant type: single nucleotide variant.
Coding change: c.344-1G>C on transcript NM_000161.3 (MANE Select); the canonical splice acceptor site of the intron before coding-DNA position 344, G replaced by C.
Molecular consequence: splice acceptor variant.
Genome position (GRCh38, 1-based): chr14:54,865,437, C>G on the plus strand (G>C on the coding strand, the complement: GCH1 is on the minus strand). VCF-style: chr14-54865437-C-G. GRCh37 (hg19) VCF-style: chr14-55332155-C-G.
Other names: c.344-1G>C (NM_001024071.2, NM_001024070.2, NM_001024024.2).
Identifiers: ClinVar variation 465761 (VCV000465761.7), dbSNP rs1555360050, ClinGen allele CA389790329.
Genomic context (GRCh38, chr14:54,865,437, plus strand): 5'-TGTCCTTCACAATCACCATCTCATCATGATCTTCATCAAATATAGCATCGTTTAGGACAT[C>G]TGAAATCAGAGGCTTGCTTTAGTAACATGTCCAATTTTATAGAAAGGTAGAATTATGGAT-3'

ClinVar aggregate classification (germline): Pathogenic (1 of 4 stars; one submission).

Conditions:
GTP cyclohydrolase I deficiency. Identifiers: MedGen C0268467, MONDO:0100184.
Dystonia 5 (DRD). Also called: DYSTONIA, PROGRESSIVE, WITH DIURNAL VARIATION; DYSTONIA-PARKINSONISM WITH DIURNAL FLUCTUATION; GTP Cyclohydrolase 1-Deficient Dopa-Responsive Dystonia; Dystonia, DOPA-responsive, with or without hyperphenylalaninemia; DYT-GCH1. Identifiers: Orphanet 98808, MedGen C1851920, MONDO:0007495, OMIM 128230.

Submission:

Labcorp Genetics (formerly Invitae), Labcorp
Classification: Pathogenic for GTP cyclohydrolase I deficiency; Dystonia 5. Last evaluated: 2017-08-17. Review status: criteria provided, single submitter. Criteria: Invitae Variant Classification Sherloc (09022015). Collection method: clinical testing. Allele origin: germline.
Comment: For these reasons, this variant has been classified as Pathogenic. Donor and acceptor splice site variants typically lead to a loss of protein function (PMID: 16199547), and loss-of-function variants in GCH1 are known to be pathogenic (PMID: 19491146). A different variant affecting this nucleotide (c.344-1G>A) has been determined to be pathogenic (PMID: 8619546). This suggests that this nucleotide is important for normal RNA splicing, and that other variants at this position may also be pathogenic. This variant has not been reported in the literature in individuals with a GCH1-related disease. This variant is not present in population databases (ExAC no frequency). This sequence change affects an acceptor splice site in intron 1 of the GCH1 gene. It is expected to disrupt RNA splicing and likely results in an absent or disrupted protein product.

Literature cited by the submitters: PubMed 16199547; PubMed 19491146; PubMed 8619546.